The following is an entry in ClinVar:

ClinVar aggregate classification (germline): Conflicting classifications of pathogenicity. Review status: criteria provided, conflicting classifications (1 of 4 stars). 5 submissions from 5 submitters: Uncertain significance (4); Benign (1). Last evaluated 2025-11-06.

Conditions:
Hereditary cancer-predisposing syndrome. Also called: Neoplastic Syndromes, Hereditary; Tumor predisposition; Hereditary neoplastic syndrome; Hereditary Cancer Syndrome. Identifiers: Orphanet 140162, MedGen C0027672, MeSH D009386, MONDO:0015356.
Patterned macular dystrophy 2. Identifiers: Orphanet 99001, MedGen C1837029, MONDO:0012162, OMIM 608970.

Allele frequency attached by ClinVar (database versions not stated): gnomAD exomes 0.00001; TOPMed 0.00002; gnomAD 0.00002.
gnomAD v4.1: 8 of 1,613,886 alleles (0.0005%); highest among the groups gnomAD compares: Admixed American, 0.013%; no homozygotes.

Submissions (5):

Labcorp Genetics (formerly Invitae), Labcorp
Classification: Uncertain significance. Last evaluated: 2025-11-06. Review status: criteria provided, single submitter. Criteria: Invitae Variant Classification Sherloc (09022015). Collection method: clinical testing. Allele origin: germline.
Comment: This sequence change replaces tyrosine, which is neutral and polar, with cysteine, which is neutral and slightly polar, at codon 280 of the CTNNA1 protein (p.Tyr280Cys). This variant is present in population databases (no rsID available, gnomAD 0.01%). This variant has not been reported in the literature in individuals affected with CTNNA1-related conditions. ClinVar contains an entry for this variant (Variation ID: 951618). Invitae Evidence Modeling of protein sequence and biophysical properties (such as structural, functional, and spatial information, amino acid conservation, physicochemical variation, residue mobility, and thermodynamic stability) indicates that this missense variant is not expected to disrupt CTNNA1 protein function with a negative predictive value of 80%. In summary, the available evidence is currently insufficient to determine the role of this variant in disease. Therefore, it has been classified as a Variant of Uncertain Significance.

GeneDx
Classification: Uncertain significance. Last evaluated: 2024-02-28. Review status: criteria provided, single submitter. Criteria: GeneDx Variant Classification Process June 2021. Collection method: clinical testing. Allele origin: germline. Affected: yes.
Comment: Observed in individuals referred for hereditary cancer multi-gene panel testing (PMID: 32051609); In silico analysis supports that this missense variant does not alter protein structure/function; This variant is associated with the following publications: (PMID: 32051609, 37427132)

Baylor Genetics
Classification: Uncertain significance for Patterned macular dystrophy 2. Last evaluated: 2023-07-27. Review status: criteria provided, single submitter. Criteria: ACMG Guidelines, 2015. Collection method: clinical testing. Allele origin: unknown.

Ambry Genetics
Classification: Benign for Hereditary cancer-predisposing syndrome. Last evaluated: 2022-12-19. Review status: criteria provided, single submitter. Criteria: Ambry Variant Classification Scheme 2023. Collection method: clinical testing. Allele origin: germline.

Blueprint Genetics
Classification: Uncertain significance. Last evaluated: 2019-12-08. Review status: criteria provided, single submitter. Criteria: ACMG Guidelines, 2015. Collection method: clinical testing. Allele origin: germline.

NM_001903.5(CTNNA1):c.839A>G (p.Tyr280Cys)

Gene: CTNNA1 (catenin alpha 1; plus strand). Cytogenetic location: 5q31.2.
Variant type: single nucleotide variant.
Coding change: c.839A>G on transcript NM_001903.5 (MANE Select); coding-DNA position 839, A replaced by G.
Protein change: p.Tyr280Cys; replaces tyrosine 280 with cysteine.
Molecular consequence: missense variant.
Genome position (GRCh38, 1-based): chr5:138,824,780, A>G. VCF-style: chr5-138824780-A-G. GRCh37 (hg19) VCF-style: chr5-138160469-A-G.
Other names: c.839A>G, p.Tyr280Cys (NM_001290307.3, NM_001323982.2, NM_001323983.1 and 3 more transcripts); c.530A>G, p.Tyr177Cys (NM_001290309.3); c.470A>G, p.Tyr157Cys (NM_001290310.3); short protein forms Y157C, Y280C, Y177C.
Identifiers: ClinVar variation 951618 (VCV000951618.13), dbSNP rs1427235870, ClinGen allele CA361130256.